The following is an entry in ClinVar:

ClinVar aggregate classification (germline): Uncertain significance (1 of 4 stars; one submission).

gnomAD v4.1: 1 of 1,614,230 alleles (0.000062%); highest among the groups gnomAD compares: Non-Finnish European, 0.000085%; no homozygotes.

Submission:

GeneDx
Classification: Uncertain significance. Last evaluated: 2024-10-03. Review status: criteria provided, single submitter. Criteria: GeneDx Variant Classification Process June 2021. Collection method: clinical testing. Allele origin: germline. Affected: yes.
Comment: Not observed at significant frequency in large population cohorts (gnomAD); In silico analysis supports that this missense variant has a deleterious effect on protein structure/function; Has not been previously published as pathogenic or benign to our knowledge

NM_000083.3(CLCN1):c.671G>A (p.Gly224Asp)

Gene: CLCN1 (chloride voltage-gated channel 1; plus strand). Cytogenetic location: 7q34.
Variant type: single nucleotide variant.
Coding change: c.671G>A on transcript NM_000083.3 (MANE Select); coding-DNA position 671, G replaced by A.
Protein change: p.Gly224Asp; replaces glycine 224 with aspartic acid.
Molecular consequence: missense variant. On other transcripts: non-coding transcript variant (1).
Genome position (GRCh38, 1-based): chr7:143,321,823, G>A. VCF-style: chr7-143321823-G-A. GRCh37 (hg19) VCF-style: chr7-143018916-G-A.
Other names: short protein forms G224D.
Identifiers: ClinVar variation 3776582 (VCV003776582.1).